The following is an entry in ClinVar:

NM_000070.3(CAPN3):c.258dup (p.Leu87fs)

Gene: CAPN3 (calpain 3; plus strand). Cytogenetic location: 15q15.1.
Variant type: Duplication.
Coding change: c.258dup on transcript NM_000070.3 (MANE Select); coding-DNA position 258, one base duplicated (T; older notation c.258dupT).
Protein change: p.Leu87fs; shifts the reading frame from leucine 87.
Molecular consequence: frameshift variant.
Genome position (GRCh38, 1-based): chr15:42,360,063, T duplicated. VCF-style (leftmost placement, unchanged base first): chr15-42360062-C-CT. GRCh37 (hg19) VCF-style: chr15-42652260-C-CT.
Other names: NM_000070.3(CAPN3):c.258dup; p.Leu87fs; c.258dup, p.Leu87fs (NM_024344.2, NM_173087.2); c.258dupT (NM_000070.2); short protein forms L87fs.
Identifiers: ClinVar variation 284122 (VCV000284122.26), dbSNP rs753360208, ClinGen allele CA7510881.

ClinVar aggregate classification (germline): Pathogenic. Review status: reviewed by expert panel (3 of 4 stars). 9 submissions from 9 submitters: Pathogenic (1). 8 of the submissions do not count toward it. Last evaluated 2026-02-18.

Conditions:
Muscular dystrophy, limb-girdle, autosomal dominant 4. Also called: Calpain-3-related limb-girdle muscular dystrophy D4; MUSCULAR DYSTROPHY, LIMB-GIRDLE, TYPE 1I. Identifiers: Orphanet 565909, MedGen C4748295, MONDO:0029133, OMIM 618129.
Autosomal recessive limb-girdle muscular dystrophy type 2A (LGMDR1). Also called: Muscular dystrophy, limb-girdle, type 2A, Amish; Limb-girdle muscular dystrophy, type 2A; Calpainopathy; LEYDEN-MOEBIUS MUSCULAR DYSTROPHY; MUSCULAR DYSTROPHY, PELVOFEMORAL. Identifiers: Orphanet 267, MedGen C1869123, MONDO:0009675, OMIM 253600. Disease mechanism: loss of function.
CAPN3-related disorder. Also called: CAPN3-related condition; CAPN3-related disorders. Identifiers: MedGen CN239245.
Autosomal recessive limb-girdle muscular dystrophy. Identifiers: Orphanet 102015, MedGen C2931907, MONDO:0015152.

Allele frequency attached by ClinVar (database versions not stated): gnomAD exomes 0.00001 and 0.00002; ExAC 0.00002; TOPMed 0.00003; gnomAD 0.00005.

Submissions (9):

ClinGen Limb Girdle Muscular Dystrophy Variant Curation Expert Panel, ClinGen
Classification: Pathogenic for Autosomal recessive limb-girdle muscular dystrophy. Last evaluated: 2026-02-18. Review status: reviewed by expert panel. Criteria: ClinGen LGMD VCEP ACMG Specifications CAPN3 V2.0.0. Collection method: curation. Allele origin: germline. Inheritance: Autosomal recessive inheritance.
Comment: The NM_000070.3: c.258dup p.(Leu87SerfsTer4) variant in CAPN3 is a frameshift variant expected to cause a premature stop codon in biologically relevant exon 1/24, leading to nonsense-mediated decay in a gene in which loss of function is an established disease mechanism (PVS1). This variant has been identified in a homozygous state in at least three individuals with a clinical diagnosis or suspicion of LGMD without reported familial consanguinity (1.0 pt; PMID: 16650086, 30564623; LOVD CAPN3_000380) (PM3, PP4). The highest frequency of this variant in gnomAD v4.1.0 is 0.0002135 in the African/African American population (16/74948 alleles), which is greater than the LGMD VCEP threshold of 0.0001 (PM2_Supporting not met). In summary, this variant meets the criteria to be classified as Pathogenic for autosomal recessive limb-girdle muscular dystrophy based on the ACMG/AMP criteria applied, as specified by the ClinGen Limb Girdle Muscular Dystrophy Expert Panel (specifications version 2.0.0; 02/18/2026): PVS1, PM3, PP4.

Natera, Inc.
Classification: Pathogenic for Limb-girdle muscular dystrophy type 2A. Last evaluated: 2025-09-18. Review status: criteria provided, single submitter. Criteria: Natera Variant Classification Schema (03/2026). Collection method: clinical testing. Allele origin: germline. Not counted in ClinVar's aggregate classification.
Comment: The c.258dupT variant in CAPN3 is a frameshift variant predicted to shift the reading frame beginning at codon 87 and leads to a stop codon 4 codons downstream. This variant is expected to result in nonsense mediated decay, truncation, or a dysfunctional protein product. This variant is rare in the general population with a frequency below the threshold expected for the associated phenotype(s). This variant has been observed in one or more individuals affected with the associated recessive disease, as either homozygous or compound heterozygous with a second variant (PMID: 26677118). Given the available evidence, this variant is classified as Pathogenic.

Labcorp Genetics (formerly Invitae), Labcorp
Classification: Pathogenic for Autosomal recessive limb-girdle muscular dystrophy type 2A. Last evaluated: 2025-07-13. Review status: criteria provided, single submitter. Criteria: Invitae Variant Classification Sherloc (09022015). Collection method: clinical testing. Allele origin: germline. Not counted in ClinVar's aggregate classification.
Comment: This sequence change creates a premature translational stop signal (p.Leu87Serfs*4) in the CAPN3 gene. It is expected to result in an absent or disrupted protein product. Loss-of-function variants in CAPN3 are known to be pathogenic (PMID: 10330340, 15689361). This variant is present in population databases (rs753360208, gnomAD 0.02%). This premature translational stop signal has been observed in individuals with autosomal recessive muscular dystrophy (PMID: 16650086, 26677118). ClinVar contains an entry for this variant (Variation ID: 284122). For these reasons, this variant has been classified as Pathogenic.

GeneDx
Classification: Likely pathogenic. Last evaluated: 2024-11-07. Review status: criteria provided, single submitter. Criteria: GeneDx Variant Classification Process June 2021. Collection method: clinical testing. Allele origin: germline. Affected: yes. Not counted in ClinVar's aggregate classification.
Comment: Reported previously in the homozygous state as well as in the presence of a second CAPN3 variant in multiple unrelated individuals with limb girdle muscular dystrophy type 2A (PMID: 16650086, 18055493, 26677118, 31931849); Frameshift variant predicted to result in protein truncation or nonsense mediated decay in a gene for which loss of function is a known mechanism of disease; This variant is associated with the following publications: (PMID: 18055493, 26677118, 16650086, 31931849)

Blueprint Genetics
Classification: Pathogenic for CAPN3-related disorders. Last evaluated: 2024-05-15. Review status: criteria provided, single submitter. Criteria: ACMG Guidelines, 2015. Collection method: clinical testing. Allele origin: germline. Affected: yes. Observed: 1 variant allele. Not counted in ClinVar's aggregate classification.

Baylor Genetics
Classification: Pathogenic for Muscular dystrophy, limb-girdle, autosomal dominant 4. Last evaluated: 2024-03-24. Review status: criteria provided, single submitter. Criteria: ACMG Guidelines, 2015. Collection method: clinical testing. Allele origin: unknown. Not counted in ClinVar's aggregate classification.

Fulgent Genetics
Classification: Pathogenic for Autosomal recessive limb-girdle muscular dystrophy type 2A; Muscular dystrophy, limb-girdle, autosomal dominant 4. Last evaluated: 2024-01-18. Review status: criteria provided, single submitter. Criteria: ACMG Guidelines, 2015. Collection method: clinical testing. Allele origin: germline. Not counted in ClinVar's aggregate classification.

Revvity Omics, Revvity
Classification: Pathogenic. Last evaluated: 2023-01-11. Review status: criteria provided, single submitter. Criteria: ACMG Guidelines, 2015. Collection method: clinical testing. Allele origin: germline. Not counted in ClinVar's aggregate classification.

Eurofins Ntd Llc (ga)
Classification: Pathogenic. Last evaluated: 2015-11-03. Review status: criteria provided, single submitter. Criteria: EGL Classification Definitions. Collection method: clinical testing. Allele origin: germline. Observed: 6 variant alleles, 6 heterozygotes. Not counted in ClinVar's aggregate classification.

Literature cited by the submitters: PubMed 26677118 (cited by Natera, Inc. and Labcorp Genetics (formerly Invitae), Labcorp); PubMed 10330340 (cited by Labcorp Genetics (formerly Invitae), Labcorp); PubMed 15689361 (cited by Labcorp Genetics (formerly Invitae), Labcorp); PubMed 16650086 (cited by Labcorp Genetics (formerly Invitae), Labcorp).